The following is an entry in ClinVar:

ClinVar aggregate classification (germline): Uncertain significance (1 of 4 stars; one submission).

gnomAD v4.1: 3 of 1,533,960 alleles (0.0002%); highest among the groups gnomAD compares: Non-Finnish European, 0.00026%; no homozygotes.

Submission:

Labcorp Genetics (formerly Invitae), Labcorp
Classification: Uncertain significance. Last evaluated: 2024-02-24. Review status: criteria provided, single submitter. Criteria: Invitae Variant Classification Sherloc (09022015). Collection method: clinical testing. Allele origin: germline.
Comment: This sequence change replaces arginine, which is basic and polar, with proline, which is neutral and non-polar, at codon 5 of the POLE2 protein (p.Arg5Pro). This variant is not present in population databases (gnomAD no frequency). This variant has not been reported in the literature in individuals affected with POLE2-related conditions. ClinVar contains an entry for this variant (Variation ID: 1494220). An algorithm developed to predict the effect of missense changes on protein structure and function (PolyPhen-2) suggests that this variant is likely to be disruptive. In summary, the available evidence is currently insufficient to determine the role of this variant in disease. Therefore, it has been classified as a Variant of Uncertain Significance.

NM_002692.4(POLE2):c.14G>C (p.Arg5Pro)

Gene: POLE2 (DNA polymerase epsilon 2, accessory subunit; minus strand). Cytogenetic location: 14q21.3.
Variant type: single nucleotide variant.
Coding change: c.14G>C on transcript NM_002692.4 (MANE Select); coding-DNA position 14, G replaced by C.
Protein change: p.Arg5Pro; replaces arginine 5 with proline.
Molecular consequence: missense variant. On other transcripts: 5 prime UTR variant (1).
Genome position (GRCh38, 1-based): chr14:49,688,190, C>G on the plus strand (G>C on the coding strand, the complement: POLE2 is on the minus strand). VCF-style: chr14-49688190-C-G. GRCh37 (hg19) VCF-style: chr14-50154908-C-G.
Other names: c.14G>C, p.Arg5Pro (NM_001197330.2, NM_001197331.3, NM_001348384.2); c.-222G>C (NM_001348385.2); short protein forms R5P.
Identifiers: ClinVar variation 1494220 (VCV001494220.8), dbSNP rs1887311329, ClinGen allele CA389618137.